The following is an entry in ClinVar:

NM_001942.4(DSG1):c.73T>G (p.Phe25Val)

Gene: DSG1 (desmoglein 1; plus strand). Cytogenetic location: 18q12.1.
Variant type: single nucleotide variant.
Coding change: c.73T>G on transcript NM_001942.4 (MANE Select); coding-DNA position 73, T replaced by G.
Protein change: p.Phe25Val; replaces phenylalanine 25 with valine.
Molecular consequence: missense variant.
Genome position (GRCh38, 1-based): chr18:31,326,605, T>G. VCF-style: chr18-31326605-T-G. GRCh37 (hg19) VCF-style: chr18-28906568-T-G.
Other names: short protein forms F25V.
Identifiers: ClinVar variation 4803535 (VCV004803535.1).

ClinVar aggregate classification (germline): Uncertain significance (1 of 4 stars; one submission).

gnomAD v4.1: 3 of 1,605,132 alleles (0.00019%); highest among the groups gnomAD compares: Non-Finnish European, 0.00026%; no homozygotes.

Submission:

Labcorp Genetics (formerly Invitae), Labcorp
Classification: Uncertain significance. Last evaluated: 2025-12-16. Review status: criteria provided, single submitter. Criteria: Invitae Variant Classification Sherloc (09022015). Collection method: clinical testing. Allele origin: germline.
Comment: This sequence change replaces phenylalanine, which is neutral and non-polar, with valine, which is neutral and non-polar, at codon 25 of the DSG1 protein (p.Phe25Val). This variant is not present in population databases (gnomAD no frequency). This variant has not been reported in the literature in individuals affected with DSG1-related conditions. Invitae Evidence Modeling of protein sequence and biophysical properties (such as structural, functional, and spatial information, amino acid conservation, physicochemical variation, residue mobility, and thermodynamic stability) indicates that this missense variant is not expected to disrupt DSG1 protein function with a negative predictive value of 80%. In summary, the available evidence is currently insufficient to determine the role of this variant in disease. Therefore, it has been classified as a Variant of Uncertain Significance.